The following is an entry in ClinVar:

ClinVar aggregate classification (germline): Likely pathogenic (1 of 4 stars; one submission).

Conditions:
Marfan syndrome (MFS). Also called: MARFAN SYNDROME, TYPE I; Marfan syndrome type 1; Marfan's syndrome; Marfan syndrome, classic; FBN1-Related Marfan Syndrome. Identifiers: Orphanet 284963, Orphanet 558, MedGen C0024796, MONDO:0007947, OMIM 154700.
Familial thoracic aortic aneurysm and aortic dissection (TAAD). Also called: Thoracic aortic aneurysms and dissections. Identifiers: Orphanet 91387, MedGen C4707243, MONDO:0019625.

Submission:

Labcorp Genetics (formerly Invitae), Labcorp
Classification: Likely pathogenic for Marfan syndrome; Familial thoracic aortic aneurysm and aortic dissection. Last evaluated: 2024-02-12. Review status: criteria provided, single submitter. Criteria: Invitae Variant Classification Sherloc (09022015). Collection method: clinical testing. Allele origin: germline.
Comment: This sequence change affects a donor splice site in intron 61 of the FBN1 gene. It is expected to disrupt RNA splicing. Variants that disrupt the donor or acceptor splice site typically lead to a loss of protein function (PMID: 16199547), and loss-of-function variants in FBN1 are known to be pathogenic (PMID: 17657824, 19293843). This variant is not present in population databases (gnomAD no frequency). This variant has not been reported in the literature in individuals affected with FBN1-related conditions. Algorithms developed to predict the effect of sequence changes on RNA splicing suggest that this variant may disrupt the consensus splice site. In summary, the currently available evidence indicates that the variant is pathogenic, but additional data are needed to prove that conclusively. Therefore, this variant has been classified as Likely Pathogenic.

Literature cited by the submitters: PubMed 16199547; PubMed 17657824; PubMed 19293843.

NM_000138.5(FBN1):c.7570+2T>G

Gene: FBN1 (fibrillin 1; minus strand). Cytogenetic location: 15q21.1.
Variant type: single nucleotide variant.
Coding change: c.7570+2T>G on transcript NM_000138.5 (MANE Select); the canonical splice donor site of the intron after coding-DNA position 7570, T replaced by G.
Molecular consequence: splice donor variant.
Genome position (GRCh38, 1-based): chr15:48,421,950, A>C on the plus strand (T>G on the coding strand, the complement: FBN1 is on the minus strand). VCF-style: chr15-48421950-A-C. GRCh37 (hg19) VCF-style: chr15-48714147-A-C.
Other names: c.7570+2T>G (NM_001406716.1).
Identifiers: ClinVar variation 3763457 (VCV003763457.2).